The following is an entry in ClinVar:

NM_000179.3(MSH6):c.2267G>A (p.Gly756Glu)

Gene: MSH6 (mutS homolog 6; plus strand). Cytogenetic location: 2p16.3.
Variant type: single nucleotide variant.
Coding change: c.2267G>A on transcript NM_000179.3 (MANE Select); coding-DNA position 2267, G replaced by A.
Protein change: p.Gly756Glu; replaces glycine 756 with glutamic acid.
Molecular consequence: missense variant. On other transcripts: non-coding transcript variant (5), intron variant (2).
Genome position (GRCh38, 1-based): chr2:47,800,250, G>A. VCF-style: chr2-47800250-G-A. GRCh37 (hg19) VCF-style: chr2-48027389-G-A.
Other names: c.1970G>A, p.Gly657Glu (NM_001406801.1, NM_001406805.1, NM_001406797.1 and 10 more transcripts); c.2363G>A, p.Gly788Glu (NM_001406802.1, NM_001406795.1); c.2267G>A, p.Gly756Glu (NM_001406803.1, NM_001406808.1, NM_001406809.1 and 3 more transcripts); c.2189G>A, p.Gly730Glu (NM_001406804.1); c.1742G>A, p.Gly581Glu (NM_001406806.1, NM_001406807.1, NM_001406799.1); c.1361G>A, p.Gly454Glu (NM_001406811.1, NM_001281493.2, NM_001281494.2 and 6 more transcripts); c.1877G>A, p.Gly626Glu (NM_001281492.2); c.2273G>A, p.Gly758Glu (NM_001406813.1); and 3 more; short protein forms G758E, G581E, G700E, G730E, G756E, G454E, G626E, G788E.
Identifiers: ClinVar variation 4825250 (VCV004825250.1).

ClinVar aggregate classification (germline): Uncertain significance (1 of 4 stars; one submission).

Conditions:
Hereditary cancer-predisposing syndrome. Also called: Neoplastic Syndromes, Hereditary; Tumor predisposition; Hereditary Cancer Syndrome; Hereditary neoplastic syndrome. Identifiers: Orphanet 140162, MedGen C0027672, MeSH D009386, MONDO:0015356.

gnomAD v4.1: 2 of 1,614,130 alleles (0.00012%); highest among the groups gnomAD compares: South Asian, 0.0022%; no homozygotes.

Submission:

Ambry Genetics
Classification: Uncertain significance for Hereditary cancer-predisposing syndrome. Last evaluated: 2026-01-15. Review status: criteria provided, single submitter. Criteria: Ambry Variant Classification Scheme 2023. Collection method: clinical testing. Allele origin: germline.
Comment: The p.G756E variant (also known as c.2267G>A), located in coding exon 4 of the MSH6 gene, results from a G to A substitution at nucleotide position 2267. The glycine at codon 756 is replaced by glutamic acid, an amino acid with similar properties. This amino acid position is conserved. In addition, this alteration is predicted to be deleterious by in silico analysis. Based on the available evidence, the clinical significance of this variant remains unclear.